The following is an entry in ClinVar:

NM_001754.5(RUNX1):c.695_696del (p.Arg232fs)

Gene: RUNX1 (RUNX family transcription factor 1; minus strand). Cytogenetic location: 21q22.12.
Variant type: Deletion.
Coding change: c.695_696del on transcript NM_001754.5 (MANE Select); coding-DNA positions 695 to 696, 2 bases deleted (GG; older notation c.695_696delGG).
Protein change: p.Arg232fs; shifts the reading frame from arginine 232.
Molecular consequence: frameshift variant.
Genome position (GRCh38, 1-based): chr21:34,834,519-34,834,520, CC deleted on the plus strand (GG on the coding strand, the reverse complement: RUNX1 is on the minus strand). VCF-style (leftmost placement, unchanged base first): chr21-34834518-GCC-G. GRCh37 (hg19) VCF-style: chr21-36206815-GCC-G.
Other names: NM_001754.5(RUNX1):c.695_696del; p.Arg232fs; c.614_615del, p.Arg205fs (NM_001001890.3, NM_001122607.2); short protein forms R205fs, R232fs.
Identifiers: ClinVar variation 2701885 (VCV002701885.4), dbSNP rs2517040449, ClinGen allele CA2697547495.
Genomic context (GRCh38, chr21:34,834,518, plus strand): 5'-GGGAGGCACGAGGGTTGGGCGTGGGGGCTGGGTGGTGTGGGCTGACCCTCATGGCTGTGC[GCC>G]GCAGCTGCTCCAGTTCACTGAGCCGCTCGGAAAAGGACAAGCTCCCGGGCTTGGTCTGAT-3'

ClinVar aggregate classification (germline): Pathogenic. Review status: reviewed by expert panel (3 of 4 stars). 2 submissions from 2 submitters: Pathogenic (1). 1 of the submissions does not count toward it. Last evaluated 2024-08-28.

Conditions:
Hereditary thrombocytopenia and hematological cancer predisposition syndrome associated with RUNX1. Also called: Familial Platelet Disorder with Propensity to Acute Myelogenous Leukemia; Familial thrombocytopenia with propensity to acute myelogenous leukemia; PLATELET DISORDER, ASPIRIN-LIKE; RUNX1 Familial Platelet Disorder with Associated Myeloid Malignancies. Identifiers: Orphanet 71290, MedGen C1832388, MeSH C563324, MONDO:0100083, OMIM 601399.
Hereditary thrombocytopenia and hematologic cancer predisposition syndrome. Identifiers: Orphanet 71290, MedGen CN281654, MONDO:0011071.

Submissions (2):

ClinGen Myeloid Malignancy Variant Curation Expert Panel
Classification: Pathogenic for Hereditary thrombocytopenia and hematologic cancer predisposition syndrome. Last evaluated: 2024-08-28. Review status: reviewed by expert panel. Criteria: ClinGen MyeloMalig ACMG Specifications v2. Collection method: curation. Allele origin: germline. Inheritance: Autosomal dominant inheritance.
Comment: NM_001754.5(RUNX1):c.695_696del (p.Arg232ProfsTer28) is a frameshift variant which is predicted to undergo nonsense mediated decay in a gene in which loss-of-function is an established mechanism (frameshift (+) c.98-c.779 as per VCEP specifications) (PVS1). This variant is a nonsense/frameshift variants that is downstream of c.98 (PM5_Supporting). This variant is completely absent from all population databases with at least 20x coverage for RUNX1 (PM2_Supporting). In summary, this variant meets criteria to be classified as pathogenic. ACMG/AMP criteria applied, as specified by the Myeloid Malignancy Variant Curation Expert Panel for RUNX1: PVS1, PM2_supporting, PM5_supporting.

Labcorp Genetics (formerly Invitae), Labcorp
Classification: Pathogenic for Hereditary thrombocytopenia and hematological cancer predisposition syndrome associated with RUNX1. Last evaluated: 2023-12-09. Review status: criteria provided, single submitter. Criteria: Invitae Variant Classification Sherloc (09022015). Collection method: clinical testing. Allele origin: germline. Not counted in ClinVar's aggregate classification.
Comment: This sequence change creates a premature translational stop signal (p.Arg232Profs*28) in the RUNX1 gene. It is expected to result in an absent or disrupted protein product. Loss-of-function variants in RUNX1 are known to be pathogenic (PMID: 18723428, 24100448). This variant is not present in population databases (gnomAD no frequency). This variant has not been reported in the literature in individuals affected with RUNX1-related conditions. For these reasons, this variant has been classified as Pathogenic.

Literature cited by the submitters: PubMed 18723428 (cited by Labcorp Genetics (formerly Invitae), Labcorp); PubMed 24100448 (cited by Labcorp Genetics (formerly Invitae), Labcorp).